The following is an entry in ClinVar:

NM_001375905.1(SGMS2):c.148C>T (p.Arg50Ter)

Genes: CYP2U1-AS1 (CYP2U1 and SGMS2 antisense RNA 1; minus strand), SGMS2 (sphingomyelin synthase 2; plus strand). Cytogenetic location: 4q25.
Variant type: single nucleotide variant.
Coding change: c.148C>T on transcript NM_001375905.1 (MANE Select); coding-DNA position 148, C replaced by T.
Protein change: p.Arg50Ter; replaces arginine 50 with a stop codon.
Molecular consequence: nonsense. On other transcripts: intron variant (1).
Genome position (GRCh38, 1-based): chr4:107,895,701, C>T. VCF-style: chr4-107895701-C-T. GRCh37 (hg19) VCF-style: chr4-108816857-C-T.
Other names: c.148C>T, p.Arg50Ter (NM_001136257.2, NM_001136258.2, NM_001375906.1 and 4 more transcripts); c.-64-3874C>T (NM_001375911.1); c.148C>T (NM_001136258.1); short protein forms R50*.
Identifiers: ClinVar variation 635285 (VCV000635285.55), dbSNP rs1560667389, ClinGen allele CA357835021.

ClinVar aggregate classification (germline): Pathogenic/Likely pathogenic. Review status: criteria provided, multiple submitters, no conflicts (2 of 4 stars). 9 submissions from 9 submitters: Pathogenic (7); Likely pathogenic (1). 1 of the submissions does not count toward it. Last evaluated 2026-06-22.

Conditions:
Inborn genetic diseases. Identifiers: MedGen C0950123, MeSH D030342.
Calvarial doughnut lesions with bone fragility with or without spondylometaphyseal dysplasia. Identifiers: MedGen CN301226.
Calvarial doughnut lesions-bone fragility syndrome. Also called: Doughnut lesions of skull, familial. Identifiers: Orphanet 85192, MedGen C1852022, MONDO:0007470, OMIM 126550.
SGMS2-related disorder. Also called: SGMS2-related condition.

Submissions (9):

PreventionGenetics, part of Exact Sciences
Classification: Pathogenic for SGMS2-related condition. Last evaluated: 2026-06-22. Review status: criteria provided, single submitter. Criteria: ACMG Guidelines, 2015. Collection method: clinical testing. Allele origin: germline.
Comment: The SGMS2 c.148C>T variant is predicted to result in premature protein termination (p.Arg50*). This variant has been reported in the heterozygous state in multiple individuals with calvarial doughnut lesions with bone fragility (CDL) and noted to segregate with the condition in multiple families (see for example: Pekkinen et al. 2019. PubMed ID: 30779713; Basalom et al. 2021. PubMed ID: 34504906; Pihlström et al. 2023. PubMed ID: 37886644). A functional study using HeLa cells noted that this variant causes mislocalization of the truncated protein (Pekkinen et al. 2019. PubMed ID: 30779713). This variant has not been reported in a large population database (gnomAD), indicating this variant is rare and it is consistently classified as likely pathogenic or pathogenic in ClinVar (Variation ID: 635285). Nonsense variants in SGMS2 are expected to be pathogenic. This variant is interpreted as pathogenic.

Labcorp Genetics (formerly Invitae), Labcorp
Classification: Pathogenic. Last evaluated: 2025-11-18. Review status: criteria provided, single submitter. Criteria: Invitae Variant Classification Sherloc (09022015). Collection method: clinical testing. Allele origin: germline.
Comment: This sequence change creates a premature translational stop signal (p.Arg50*) in the SGMS2 gene. It is expected to result in an absent or disrupted protein product. However, the current clinical and genetic evidence is not sufficient to establish whether loss-of-function variants in SGMS2 cause disease. This variant is not present in population databases (gnomAD no frequency). This premature translational stop signal has been observed in individual(s) with doughnut lesion of calvaria and bone fragility syndrome (PMID: 30779713, 32028018). In at least one individual the variant was observed to be de novo. It has also been observed to segregate with disease in related individuals. ClinVar contains an entry for this variant (Variation ID: 635285). Algorithms developed to predict the effect of variants on gene product structure and function are not available or were not evaluated for this variant. Experimental studies have shown that this premature translational stop signal affects SGMS2 function (PMID: 30779713). For these reasons, this variant has been classified as Pathogenic.

Genomic Medicine Center of Excellence, King Faisal Specialist Hospital and Research Centre
Classification: Pathogenic for Calvarial doughnut lesions-bone fragility syndrome. Last evaluated: 2024-03-25. Review status: criteria provided, single submitter. Criteria: ACMG Guidelines, 2015. Collection method: clinical testing. Allele origin: germline.

GeneDx
Classification: Pathogenic. Last evaluated: 2023-02-27. Review status: criteria provided, single submitter. Criteria: GeneDx Variant Classification Process June 2021. Collection method: clinical testing. Allele origin: germline. Affected: yes.
Comment: Nonsense variant predicted to result in protein truncation or nonsense mediated decay in a gene for which loss-of-function is a known mechanism of disease; Published functional studies demonstrate a damaging effect: impaired localization to the plasma membrane and abolished enzyme activity (Pekkinen et al., 2019); Not observed in large population cohorts (gnomAD); This variant is associated with the following publications: (PMID: 19839042, 31064048, 31004177, 30779713, 32028018, 34504906, 34761145)

Kasturba Medical College, Manipal, Kasturba Medical College, Manipal, Manipal Academy of Higher Education, Manipal, India
Classification: Pathogenic for Calvarial doughnut lesions with bone fragility with or without spondylometaphyseal dysplasia. Last evaluated: 2021-12-10. Review status: criteria provided, single submitter. Criteria: ACMG Guidelines, 2015. Collection method: clinical testing. Allele origin: germline. Affected: yes.

Fulgent Genetics
Classification: Pathogenic for Calvarial doughnut lesions-bone fragility syndrome. Last evaluated: 2021-08-07. Review status: criteria provided, single submitter. Criteria: ACMG Guidelines, 2015. Collection method: clinical testing. Allele origin: unknown.

CeGaT Center for Human Genetics Tuebingen
Classification: Pathogenic. Last evaluated: 2021-02-01. Review status: criteria provided, single submitter. Criteria: CeGaT Center For Human Genetics Tuebingen Variant Classification Criteria Version 2. Collection method: clinical testing. Allele origin: germline. Affected: yes. Observed: 1 variant allele.

Ambry Genetics
Classification: Likely pathogenic for Inborn genetic diseases. Last evaluated: 2019-06-27. Review status: criteria provided, single submitter. Criteria: Ambry exome assertion method (8-5-2015). Collection method: clinical testing. Allele origin: germline. Affected: yes. Observed: 1 variant allele.

OMIM
Classification: Pathogenic for CALVARIAL DOUGHNUT LESIONS WITH BONE FRAGILITY. Last evaluated: 2019-06-27. Review status: no assertion criteria provided. Collection method: literature only. Allele origin: germline. Not counted in ClinVar's aggregate classification.

Literature cited by the submitters: PubMed 30779713 (cited by 3 submitters); PubMed 32028018 (cited by Labcorp Genetics (formerly Invitae), Labcorp); PubMed 19839042 (cited by OMIM).